The following is an entry in ClinVar:

NM_003184.4(TAF2):c.293C>G (p.Ser98Ter)

Gene: TAF2 (TATA-box binding protein associated factor 2; minus strand). Cytogenetic location: 8q24.12.
Variant type: single nucleotide variant.
Coding change: c.293C>G on transcript NM_003184.4 (MANE Select); coding-DNA position 293, C replaced by G.
Protein change: p.Ser98Ter; replaces serine 98 with a stop codon.
Molecular consequence: nonsense.
Genome position (GRCh38, 1-based): chr8:119,819,352, G>C on the plus strand (C>G on the coding strand, the complement: TAF2 is on the minus strand). VCF-style: chr8-119819352-G-C. GRCh37 (hg19) VCF-style: chr8-120831592-G-C.
Other names: c.293C>G, p.Ser98Ter (NM_001437338.1, NM_001437339.1, NM_001438084.1); short protein forms S98*.
Identifiers: ClinVar variation 4723474 (VCV004723474.1).

ClinVar aggregate classification (germline): Uncertain significance (1 of 4 stars; one submission).

Submission:

Labcorp Genetics (formerly Invitae), Labcorp
Classification: Uncertain significance. Last evaluated: 2025-07-20. Review status: criteria provided, single submitter. Criteria: Invitae Variant Classification Sherloc (09022015). Collection method: clinical testing. Allele origin: germline.
Comment: This sequence change creates a premature translational stop signal (p.Ser98*) in the TAF2 gene. It is expected to result in an absent or disrupted protein product. However, the current clinical and genetic evidence is not sufficient to establish whether loss-of-function variants in TAF2 cause disease. This variant is not present in population databases (gnomAD no frequency). This variant has not been reported in the literature in individuals affected with TAF2-related conditions. In summary, the available evidence is currently insufficient to determine the role of this variant in disease. Therefore, it has been classified as a Variant of Uncertain Significance.